The following is an entry in ClinVar:

ClinVar aggregate classification (germline): Conflicting classifications of pathogenicity. Review status: criteria provided, conflicting classifications (1 of 4 stars). 5 submissions from 5 submitters: Uncertain significance (1); Benign (2); Likely benign (1). 1 of the submissions does not count toward it. Last evaluated 2025-12-21.

Conditions:
AUTS2-related disorder. Also called: AUTS2-related condition.
Inborn genetic diseases. Identifiers: MedGen C0950123, MeSH D030342.
Autism spectrum disorder due to AUTS2 deficiency (MRD26). Also called: INTELLECTUAL DEVELOPMENTAL DISORDER, AUTOSOMAL DOMINANT 26. Identifiers: Orphanet 352490, MedGen C4014435, MONDO:0014361, OMIM 615834.

Allele frequency attached by ClinVar (database versions not stated): gnomAD exomes 0.00021; gnomAD 0.00035 and 0.00038.
gnomAD v4.1: 185 of 1,346,850 alleles (0.014%); highest among the groups gnomAD compares: Admixed American, 0.12%; 4 homozygotes.

Submissions (5):

Labcorp Genetics (formerly Invitae), Labcorp
Classification: Benign. Last evaluated: 2025-12-21. Review status: criteria provided, single submitter. Criteria: Invitae Variant Classification Sherloc (09022015). Collection method: clinical testing. Allele origin: germline.

Ambry Genetics
Classification: Likely benign for Inborn genetic diseases. Last evaluated: 2025-01-29. Review status: criteria provided, single submitter. Criteria: Ambry Variant Classification Scheme 2023. Collection method: clinical testing. Allele origin: germline.

Genomic Research Center, Shahid Beheshti University of Medical Sciences
Classification: Benign for Mental retardation, autosomal dominant 26. Last evaluated: 2020-05-03. Review status: criteria provided, single submitter. Criteria: ACMG Guidelines, 2015. Collection method: clinical testing. Allele origin: unknown. Affected: yes.

CeGaT Center for Human Genetics Tuebingen
Classification: Uncertain significance. Last evaluated: 2016-11-01. Review status: criteria provided, single submitter. Criteria: CeGaT Center For Human Genetics Tuebingen Variant Classification Criteria Version 2. Collection method: clinical testing. Allele origin: germline. Affected: yes. Observed: 1 variant allele.

PreventionGenetics, part of Exact Sciences
Classification: Likely benign for AUTS2-related condition. Last evaluated: 2023-05-15. Review status: no assertion criteria provided. Collection method: clinical testing. Allele origin: germline. Not counted in ClinVar's aggregate classification.
Comment: This variant is classified as likely benign based on ACMG/AMP sequence variant interpretation guidelines (Richards et al. 2015 PMID: 25741868, with internal and published modifications).

NM_015570.4(AUTS2):c.1295C>A (p.Pro432His)

Gene: AUTS2 (activator of transcription and developmental regulator AUTS2; plus strand). Cytogenetic location: 7q11.22.
Variant type: single nucleotide variant.
Coding change: c.1295C>A on transcript NM_015570.4 (MANE Select); coding-DNA position 1295, C replaced by A.
Protein change: p.Pro432His; replaces proline 432 with histidine.
Molecular consequence: missense variant.
Genome position (GRCh38, 1-based): chr7:70,764,832, C>A. VCF-style: chr7-70764832-C-A. GRCh37 (hg19) VCF-style: chr7-70229818-C-A.
Other names: c.1295C>A, p.Pro432His (NM_001127231.3); c.1295C>A (NM_015570.2); short protein forms P432H.
Identifiers: ClinVar variation 425414 (VCV000425414.52), dbSNP rs767529359, ClinGen allele CA4280613.
Genomic context (GRCh38, chr7:70,764,832, plus strand): 5'-CAGCGAAGACTCAGCCCGCCCCACCTCACATCTCCCACCACCCCTCTGCCTCCCCGTTCC[C>A]CCTCTCCCTGCCCAACCACAGCCCCCTGCACAGCTTCACACCCACCCTCCAGCCCCCCGC-3'
Protein context (NP_056385.1, residues 422-442): ISHHPSASPF[Pro432His]LSLPNHSPLH